The following is an entry in ClinVar:

ClinVar aggregate classification (germline): Uncertain significance (1 of 4 stars; one submission).

Submission:

GeneDx
Classification: Uncertain significance. Last evaluated: 2025-07-10. Review status: criteria provided, single submitter. Criteria: GeneDx Variant Classification Process June 2021. Collection method: clinical testing. Allele origin: germline. Affected: yes.
Comment: Not observed at significant frequency in large population cohorts (gnomAD); In silico analysis suggests that this missense variant does not alter protein structure/function; Has not been previously published as pathogenic or benign to our knowledge

NM_017934.7(PHIP):c.2807C>G (p.Thr936Arg)

Genes: IRAK1BP1 (interleukin 1 receptor associated kinase 1 binding protein 1; plus strand), PHIP (PHIP subunit of CUL4-Ring ligase complex; minus strand). Cytogenetic location: 6q14.1.
Variant type: single nucleotide variant.
Coding change: c.2807C>G on transcript NM_017934.7 (MANE Select); coding-DNA position 2807, C replaced by G.
Protein change: p.Thr936Arg; replaces threonine 936 with arginine.
Molecular consequence: missense variant.
Genome position (GRCh38, 1-based): chr6:78,978,674, G>C on the plus strand (C>G on the coding strand, the complement: PHIP is on the minus strand). VCF-style: chr6-78978674-G-C. GRCh37 (hg19) VCF-style: chr6-79688391-G-C.
Other names: short protein forms T936R.
Identifiers: ClinVar variation 4686308 (VCV004686308.1).